The following is an entry in ClinVar:

ClinVar aggregate classification (germline): Uncertain significance. Review status: criteria provided, multiple submitters, no conflicts (2 of 4 stars). 3 submissions from 3 submitters: Uncertain significance (3). Last evaluated 2026-05-29.

Conditions:
Inborn genetic diseases. Identifiers: MedGen C0950123, MeSH D030342.
Autosomal recessive distal spinal muscular atrophy 1. Also called: HMN VI; NEURONOPATHY, SEVERE INFANTILE AXONAL, WITH RESPIRATORY FAILURE; SEVERE INFANTILE AXONAL NEUROPATHY WITH RESPIRATORY FAILURE; SPINAL MUSCULAR ATROPHY, DIAPHRAGMATIC; Spinal muscular atrophy with respiratory distress 1; NEURONOPATHY, DISTAL HEREDITARY MOTOR, HARDING TYPE VI. Identifiers: Orphanet 98920, MedGen C1858517, MONDO:0011436, OMIM 604320.
Charcot-Marie-Tooth disease axonal type 2S. Also called: CHARCOT-MARIE-TOOTH NEUROPATHY, TYPE 2S; CHARCOT-MARIE-TOOTH DISEASE, AXONAL, AUTOSOMAL RECESSIVE, TYPE 2S. Identifiers: Orphanet 443073, MedGen C4015349, MONDO:0014511, OMIM 616155.

Allele frequency attached by ClinVar (database versions not stated): ESP Exome Variant Server 0.00015; gnomAD 0.00002 and 0.00003; TOPMed 0.00002.
gnomAD v4.1: 35 of 1,614,170 alleles (0.0022%); highest among the groups gnomAD compares: African/African-American, 0.035%; no homozygotes.

Submissions (3):

Women's Health and Genetics/Laboratory Corporation of America, LabCorp
Classification: Uncertain significance. Last evaluated: 2026-05-29. Review status: criteria provided, single submitter. Criteria: LabCorp Variant Classification Summary - May 2015. Collection method: clinical testing. Allele origin: germline.
Comment: Variant summary: IGHMBP2 c.581C>T (p.Thr194Ile) results in a non-conservative amino acid change in the encoded protein sequence. Algorithms developed to predict the effect of missense changes on protein structure and function are either unavailable or do not agree on the potential impact of this missense change. The variant allele was found at a frequency of 8e-06 in 251420 control chromosomes. The available data on variant occurrences in the general population are insufficient to allow any conclusion about variant significance. To our knowledge, no occurrence of c.581C>T in individuals affected with IGHMBP2-related conditions and no experimental evidence demonstrating its impact on protein function have been reported. ClinVar contains an entry for this variant (Variation ID: 1052482). Based on the evidence outlined above, the variant was classified as uncertain significance.

Ambry Genetics
Classification: Uncertain significance for Inborn genetic diseases. Last evaluated: 2024-09-03. Review status: criteria provided, single submitter. Criteria: Ambry Variant Classification Scheme 2023. Collection method: clinical testing. Allele origin: germline.

Labcorp Genetics (formerly Invitae), Labcorp
Classification: Uncertain significance for Autosomal recessive distal spinal muscular atrophy 1; Charcot-Marie-Tooth disease axonal type 2S. Last evaluated: 2022-04-03. Review status: criteria provided, single submitter. Criteria: Invitae Variant Classification Sherloc (09022015). Collection method: clinical testing. Allele origin: germline.
Comment: This sequence change replaces threonine, which is neutral and polar, with isoleucine, which is neutral and non-polar, at codon 194 of the IGHMBP2 protein (p.Thr194Ile). This variant is present in population databases (rs375694606, gnomAD 0.01%). This variant has not been reported in the literature in individuals affected with IGHMBP2-related conditions. ClinVar contains an entry for this variant (Variation ID: 1052482). Advanced modeling of protein sequence and biophysical properties (such as structural, functional, and spatial information, amino acid conservation, physicochemical variation, residue mobility, and thermodynamic stability) performed at Invitae indicates that this missense variant is not expected to disrupt IGHMBP2 protein function. In summary, the available evidence is currently insufficient to determine the role of this variant in disease. Therefore, it has been classified as a Variant of Uncertain Significance.

NM_002180.3(IGHMBP2):c.581C>T (p.Thr194Ile)

Gene: IGHMBP2 (immunoglobulin mu DNA binding protein 2; plus strand). Cytogenetic location: 11q13.3.
Variant type: single nucleotide variant.
Coding change: c.581C>T on transcript NM_002180.3 (MANE Select); coding-DNA position 581, C replaced by T.
Protein change: p.Thr194Ile; replaces threonine 194 with isoleucine.
Molecular consequence: missense variant.
Genome position (GRCh38, 1-based): chr11:68,911,473, C>T. VCF-style: chr11-68911473-C-T. GRCh37 (hg19) VCF-style: chr11-68678941-C-T.
Other names: c.581C>T (NM_002180.2); short protein forms T194I.
Identifiers: ClinVar variation 1052482 (VCV001052482.6), dbSNP rs375694606, ClinGen allele CA6153334.